The following is an entry in ClinVar:

ClinVar aggregate classification (germline): Uncertain significance (1 of 4 stars; one submission).

gnomAD v4.1: 4 of 1,611,702 alleles (0.00025%); highest among the groups gnomAD compares: African/African-American, 0.0053%; no homozygotes.

Submission:

GeneDx
Classification: Uncertain significance. Last evaluated: 2024-11-19. Review status: criteria provided, single submitter. Criteria: GeneDx Variant Classification Process June 2021. Collection method: clinical testing. Allele origin: germline. Affected: yes.
Comment: Not observed at significant frequency in large population cohorts (gnomAD); In silico analysis supports that this missense variant has a deleterious effect on protein structure/function; Has not been previously published as pathogenic or benign to our knowledge

NM_000384.3(APOB):c.4619G>T (p.Gly1540Val)

Gene: APOB (apolipoprotein B; minus strand). Cytogenetic location: 2p24.1.
Variant type: single nucleotide variant.
Coding change: c.4619G>T on transcript NM_000384.3 (MANE Select); coding-DNA position 4619, G replaced by T.
Protein change: p.Gly1540Val; replaces glycine 1540 with valine.
Molecular consequence: missense variant.
Genome position (GRCh38, 1-based): chr2:21,012,249, C>A on the plus strand (G>T on the coding strand, the complement: APOB is on the minus strand). VCF-style: chr2-21012249-C-A. GRCh37 (hg19) VCF-style: chr2-21235121-C-A.
Other names: short protein forms G1540V.
Identifiers: ClinVar variation 3899438 (VCV003899438.1).